The following is an entry in ClinVar:

ClinVar aggregate classification (germline): Uncertain significance (1 of 4 stars; one submission).

Conditions:
FLII-related condition.

Submission:

PreventionGenetics, part of Exact Sciences
Classification: Uncertain significance for FLII-related condition. Last evaluated: 2026-05-08. Review status: criteria provided, single submitter. Criteria: ACMG Guidelines, 2015. Collection method: clinical testing. Allele origin: germline.
Comment: The FLII c.725T>C variant is predicted to result in the amino acid substitution p.Leu242Pro. To our knowledge, this variant has not been reported in the literature or in a large population database (gnomAD), indicating this variant is rare. At this time, the clinical significance of this variant is uncertain due to the absence of conclusive functional and genetic evidence.

NM_002018.4(FLII):c.725T>C (p.Leu242Pro)

Gene: FLII (FLII actin remodeling protein; minus strand). Cytogenetic location: 17p11.2.
Variant type: single nucleotide variant.
Coding change: c.725T>C on transcript NM_002018.4 (MANE Select); coding-DNA position 725, T replaced by C.
Protein change: p.Leu242Pro; replaces leucine 242 with proline.
Molecular consequence: missense variant.
Genome position (GRCh38, 1-based): chr17:18,253,674, A>G on the plus strand (T>C on the coding strand, the complement: FLII is on the minus strand). VCF-style: chr17-18253674-A-G. GRCh37 (hg19) VCF-style: chr17-18156988-A-G.
Other names: c.692T>C, p.Leu231Pro (NM_001256264.2); c.563T>C, p.Leu188Pro (NM_001256265.2); short protein forms L188P, L242P, L231P.
Identifiers: ClinVar variation 4994508 (VCV004994508.1).
Genomic context (GRCh38, chr17:18,253,674, plus strand): 5'-GACAGCTCCGTGATCTGGTTGCTGCTGAGGTTGAGGCGGCGCAGGCTGGGGAGGGTGTAC[A>G]GACACTCGGGCACCCGTGTCAGGTCATTGCAGGACAGATCCACGTCTGGGGTGCAGGGTG-3'
Protein context (NP_002009.1, residues 232-252): CNDLTRVPEC[Leu242Pro]YTLPSLRRLN